The following is an entry in ClinVar:

NM_024685.4(BBS10):c.563A>T (p.Lys188Ile)

Gene: BBS10 (Bardet-Biedl syndrome 10; minus strand). Cytogenetic location: 12q21.2.
Variant type: single nucleotide variant.
Coding change: c.563A>T on transcript NM_024685.4 (MANE Select); coding-DNA position 563, A replaced by T.
Protein change: p.Lys188Ile; replaces lysine 188 with isoleucine.
Molecular consequence: missense variant.
Genome position (GRCh38, 1-based): chr12:76,347,422, T>A on the plus strand (A>T on the coding strand, the complement: BBS10 is on the minus strand). VCF-style: chr12-76347422-T-A. GRCh37 (hg19) VCF-style: chr12-76741202-T-A.
Other names: c.563A>T (NM_024685.3); short protein forms K188I.
Identifiers: ClinVar variation 1484730 (VCV001484730.6), dbSNP rs1239540905, ClinGen allele CA385814914.

ClinVar aggregate classification (germline): Uncertain significance. Review status: criteria provided, multiple submitters, no conflicts (2 of 4 stars). 2 submissions from 2 submitters: Uncertain significance (2). Last evaluated 2023-04-19.

Conditions:
Bardet-Biedl syndrome (BBS). Identifiers: Orphanet 110, MedGen C0752166, MONDO:0015229.
BBS10-related disorder. Also called: BBS10-related condition.

Allele frequency attached by ClinVar (database versions not stated): gnomAD exomes below 0.00001.
gnomAD v4.1: 17 of 1,613,868 alleles (0.0011%); highest among the groups gnomAD compares: Non-Finnish European, 0.0014%; no homozygotes.

Submissions (2):

PreventionGenetics, part of Exact Sciences
Classification: Uncertain significance for BBS10-related condition. Last evaluated: 2023-04-19. Review status: criteria provided, single submitter. Criteria: ACMG Guidelines, 2015. Collection method: clinical testing. Allele origin: germline.
Comment: The BBS10 c.563A>T variant is predicted to result in the amino acid substitution p.Lys188Ile. To our knowledge, this variant has not been reported in the literature. This variant is reported in 0.00088% of alleles in individuals of European (Non-Finnish) descent in gnomAD. At this time, the clinical significance of this variant is uncertain due to the absence of conclusive functional and genetic evidence.

Labcorp Genetics (formerly Invitae), Labcorp
Classification: Uncertain significance for Bardet-Biedl syndrome. Last evaluated: 2022-07-25. Review status: criteria provided, single submitter. Criteria: Invitae Variant Classification Sherloc (09022015). Collection method: clinical testing. Allele origin: germline.
Comment: This sequence change replaces lysine, which is basic and polar, with isoleucine, which is neutral and non-polar, at codon 188 of the BBS10 protein (p.Lys188Ile). This variant is present in population databases (no rsID available, gnomAD 0.0009%). This variant has not been reported in the literature in individuals affected with BBS10-related conditions. ClinVar contains an entry for this variant (Variation ID: 1484730). Algorithms developed to predict the effect of missense changes on protein structure and function (SIFT, PolyPhen-2, Align-GVGD) all suggest that this variant is likely to be tolerated. In summary, the available evidence is currently insufficient to determine the role of this variant in disease. Therefore, it has been classified as a Variant of Uncertain Significance.